The following is an entry in ClinVar:

NM_000081.4(LYST):c.8833A>G (p.Thr2945Ala)

Gene: LYST (lysosomal trafficking regulator; minus strand). Cytogenetic location: 1q42.3.
Variant type: single nucleotide variant.
Coding change: c.8833A>G on transcript NM_000081.4 (MANE Select); coding-DNA position 8833, A replaced by G.
Protein change: p.Thr2945Ala; replaces threonine 2945 with alanine.
Molecular consequence: missense variant.
Genome position (GRCh38, 1-based): chr1:235,731,146, T>C on the plus strand (A>G on the coding strand, the complement: LYST is on the minus strand). VCF-style: chr1-235731146-T-C. GRCh37 (hg19) VCF-style: chr1-235894446-T-C.
Other names: c.8833A>G, p.Thr2945Ala (NM_001301365.1); c.8833A>G (NM_000081.2); short protein forms T2945A.
Identifiers: ClinVar variation 968097 (VCV000968097.5), dbSNP rs759944436, ClinGen allele CA1465742.

ClinVar aggregate classification (germline): Uncertain significance. Review status: criteria provided, multiple submitters, no conflicts (2 of 4 stars). 2 submissions from 2 submitters: Uncertain significance (2). Last evaluated 2025-10-06.

Conditions:
Chédiak-Higashi syndrome (CHS). Also called: Chediak-Higashi Syndrome. Identifiers: Orphanet 167, MedGen C0007965, MONDO:0008963, OMIM 214500.
Inborn genetic diseases. Identifiers: MedGen C0950123, MeSH D030342.

gnomAD v4.1: 3 of 1,613,972 alleles (0.00019%); highest among the groups gnomAD compares: East Asian, 0.0045%; no homozygotes.

Submissions (2):

Ambry Genetics
Classification: Uncertain significance for Inborn genetic diseases. Last evaluated: 2025-10-06. Review status: criteria provided, single submitter. Criteria: Ambry Variant Classification Scheme 2023. Collection method: clinical testing. Allele origin: germline.

Labcorp Genetics (formerly Invitae), Labcorp
Classification: Uncertain significance for Chédiak-Higashi syndrome. Last evaluated: 2021-08-24. Review status: criteria provided, single submitter. Criteria: Invitae Variant Classification Sherloc (09022015). Collection method: clinical testing. Allele origin: germline.
Comment: This sequence change replaces threonine with alanine at codon 2945 of the LYST protein (p.Thr2945Ala). The threonine residue is moderately conserved and there is a small physicochemical difference between threonine and alanine. This variant is present in population databases (rs759944436, ExAC 0.01%). This variant has not been reported in the literature in individuals affected with LYST-related conditions. Algorithms developed to predict the effect of missense changes on protein structure and function output the following: SIFT: "Tolerated"; PolyPhen-2: "Benign"; Align-GVGD: "Class C0". The alanine amino acid residue is found in multiple mammalian species, which suggests that this missense change does not adversely affect protein function. Algorithms developed to predict the effect of sequence changes on RNA splicing suggest that this variant may create or strengthen a splice site. In summary, the available evidence is currently insufficient to determine the role of this variant in disease. Therefore, it has been classified as a Variant of Uncertain Significance.